The following is an entry in ClinVar:

ClinVar aggregate classification (germline): Uncertain significance (1 of 4 stars; one submission).

gnomAD v4.1: 4 of 1,614,094 alleles (0.00025%); highest among the groups gnomAD compares: Middle Eastern, 0.017%; no homozygotes.

Submission:

GeneDx
Classification: Uncertain significance. Last evaluated: 2018-11-15. Review status: criteria provided, single submitter. Criteria: GeneDx Variant Classification Process June 2021. Collection method: clinical testing. Allele origin: germline. Affected: yes.
Comment: In silico analysis, which includes protein predictors and evolutionary conservation, supports a deleterious effect; Has not been previously published as pathogenic or benign to our knowledge

NM_052867.4(NALCN):c.2570G>T (p.Arg857Leu)

Gene: NALCN (sodium leak channel, non-selective; minus strand). Cytogenetic location: 13q33.1.
Variant type: single nucleotide variant.
Coding change: c.2570G>T on transcript NM_052867.4 (MANE Select); coding-DNA position 2570, G replaced by T.
Protein change: p.Arg857Leu; replaces arginine 857 with leucine.
Molecular consequence: missense variant.
Genome position (GRCh38, 1-based): chr13:101,107,496, C>A on the plus strand (G>T on the coding strand, the complement: NALCN is on the minus strand). VCF-style: chr13-101107496-C-A. GRCh37 (hg19) VCF-style: chr13-101759847-C-A.
Other names: c.2657G>T, p.Arg886Leu (NM_001350748.2); c.2570G>T, p.Arg857Leu (NM_001350749.2); c.2483G>T, p.Arg828Leu (NM_001350750.2, NM_001350751.2); short protein forms R828L, R857L, R886L.
Identifiers: ClinVar variation 1304325 (VCV001304325.2), dbSNP rs200265303, ClinGen allele CA388670226.